The following is an entry in ClinVar:

NM_201384.3(PLEC):c.5843T>G (p.Leu1948Arg)

Gene: PLEC (plectin; minus strand). Cytogenetic location: 8q24.3.
Variant type: single nucleotide variant.
Coding change: c.5843T>G on transcript NM_201384.3 (MANE Select); coding-DNA position 5843, T replaced by G.
Protein change: p.Leu1948Arg; replaces leucine 1948 with arginine.
Molecular consequence: missense variant. On other transcripts: intron variant (1).
Genome position (GRCh38, 1-based): chr8:143,924,086, A>C on the plus strand (T>G on the coding strand, the complement: PLEC is on the minus strand). VCF-style: chr8-143924086-A-C. GRCh37 (hg19) VCF-style: chr8-144998254-A-C.
Other names: c.5924T>G, p.Leu1975Arg (NM_000445.5); c.5801T>G, p.Leu1934Arg (NM_201378.4); c.5777T>G, p.Leu1926Arg (NM_201379.3); c.6254T>G, p.Leu2085Arg (NM_201380.4); c.5747T>G, p.Leu1916Arg (NM_201381.3); c.5843T>G, p.Leu1948Arg (NM_201382.4); c.5855T>G, p.Leu1952Arg (NM_201383.3); c.4126-1691T>G (NM_001410941.1); short protein forms L1916R, L1926R, L1934R, L1948R, L1952R, L1975R, L2085R.
Identifiers: ClinVar variation 3750776 (VCV003750776.2).

ClinVar aggregate classification (germline): Uncertain significance (1 of 4 stars; one submission).

Conditions:
Epidermolysis bullosa simplex with nail dystrophy (EBS5D). Identifiers: MedGen C4225309, MONDO:0014661, OMIM 616487.
Autosomal recessive limb-girdle muscular dystrophy type 2Q (LGMDR17). Also called: MUSCULAR DYSTROPHY, LIMB-GIRDLE, AUTOSOMAL RECESSIVE 17. Identifiers: Orphanet 254361, MedGen C3150989, MONDO:0013390, OMIM 613723.
Epidermolysis bullosa simplex 5B, with muscular dystrophy (EBS5B). Also called: Epidermolysis bullosa simplex with muscular dystrophy; EPIDERMOLYSIS BULLOSA SIMPLEX AND LIMB-GIRDLE MUSCULAR DYSTROPHY. Identifiers: Orphanet 257, MedGen C2931072, MONDO:0009181, OMIM 226670.
Epidermolysis bullosa simplex 5C, with pyloric atresia (EBS5C). Also called: PLEC-Related Epidermolysis Bullosa with Pyloric Atresia; Epidermolysis bullosa simplex with pyloric atresia; PLEC1-Related Epidermolysis Bullosa with Pyloric Atresia. Identifiers: Orphanet 158684, MedGen C2677349, MONDO:0012807, OMIM 612138.
Epidermolysis bullosa simplex, Ogna type (EBS5A). Also called: Pidermolysis bullosa simplex 5A, Ogna type; EPIDERMOLYSIS BULLOSA SIMPLEX 5A, OGNA TYPE. Identifiers: Orphanet 79401, MedGen C0432317, MONDO:0007555, OMIM 131950.

Submission:

Labcorp Genetics (formerly Invitae), Labcorp
Classification: Uncertain significance for Autosomal recessive limb-girdle muscular dystrophy type 2Q; Epidermolysis bullosa simplex, Ogna type; Epidermolysis bullosa simplex with nail dystrophy; Epidermolysis bullosa simplex 5C, with pyloric atresia; Epidermolysis bullosa simplex 5B, with muscular dystrophy. Last evaluated: 2024-10-23. Review status: criteria provided, single submitter. Criteria: Invitae Variant Classification Sherloc (09022015). Collection method: clinical testing. Allele origin: germline.
Comment: This sequence change replaces leucine, which is neutral and non-polar, with arginine, which is basic and polar, at codon 1975 of the PLEC protein (p.Leu1975Arg). This variant is not present in population databases (gnomAD no frequency). This variant has not been reported in the literature in individuals affected with PLEC-related conditions. Experimental studies and prediction algorithms are not available or were not evaluated, and the functional significance of this variant is currently unknown. In summary, the available evidence is currently insufficient to determine the role of this variant in disease. Therefore, it has been classified as a Variant of Uncertain Significance.